The following is an entry in ClinVar:

ClinVar aggregate classification (germline): Uncertain significance (1 of 4 stars; one submission).

Allele frequency attached by ClinVar (database versions not stated): TOPMed below 0.00001; gnomAD 0.00001.
gnomAD v4.1: 1 of 1,614,058 alleles (0.000062%); highest among the groups gnomAD compares: African/African-American, 0.0013%; no homozygotes.

Submission:

Ambry Genetics
Classification: Uncertain significance. Last evaluated: 2023-10-27. Review status: criteria provided, single submitter. Criteria: Ambry Variant Classification Scheme 2023. Collection method: clinical testing. Allele origin: germline.
Comment: The p.G1434R variant (also known as c.4300G>C), located in coding exon 4 of the ALPK2 gene, results from a G to C substitution at nucleotide position 4300. The glycine at codon 1434 is replaced by arginine, an amino acid with dissimilar properties. This amino acid position is conserved. In addition, this alteration is predicted to be tolerated by in silico analysis. Since supporting evidence is limited at this time, the clinical significance of this alteration remains unclear.

NM_052947.4(ALPK2):c.4300G>C (p.Gly1434Arg)

Genes: ALPK2 (alpha kinase 2; minus strand), LOC126862764 (BRD4-independent group 4 enhancer GRCh37_chr18:56202574-56203773; plus strand). Cytogenetic location: 18q21.31.
Variant type: single nucleotide variant.
Coding change: c.4300G>C on transcript NM_052947.4 (MANE Select); coding-DNA position 4300, G replaced by C.
Protein change: p.Gly1434Arg; replaces glycine 1434 with arginine.
Molecular consequence: missense variant.
Genome position (GRCh38, 1-based): chr18:58,535,887, C>G on the plus strand (G>C on the coding strand, the complement: ALPK2 is on the minus strand). VCF-style: chr18-58535887-C-G. GRCh37 (hg19) VCF-style: chr18-56203119-C-G.
Other names: short protein forms G1434R.
Identifiers: ClinVar variation 3228733 (VCV003228733.1), dbSNP rs1341435604, ClinGen allele CA402563287.